The following is an entry in ClinVar:

NM_001376.5(DYNC1H1):c.3633T>A (p.Ile1211=)

Gene: DYNC1H1 (dynein cytoplasmic 1 heavy chain 1; plus strand). Cytogenetic location: 14q32.31.
Variant type: single nucleotide variant.
Coding change: c.3633T>A on transcript NM_001376.5 (MANE Select); coding-DNA position 3633, T replaced by A.
Protein change: p.Ile1211=; no amino-acid change (isoleucine 1211 retained).
Molecular consequence: synonymous variant.
Genome position (GRCh38, 1-based): chr14:101,997,103, T>A. VCF-style: chr14-101997103-T-A. GRCh37 (hg19) VCF-style: chr14-102463440-T-A.
Identifiers: ClinVar variation 1498015 (VCV001498015.8), dbSNP rs2141282643, ClinGen allele CA487968471.

ClinVar aggregate classification (germline): Uncertain significance (1 of 4 stars; one submission).

Conditions:
Charcot-Marie-Tooth disease axonal type 2O. Also called: CHARCOT-MARIE-TOOTH NEUROPATHY, AXONAL, TYPE 2O; CHARCOT-MARIE-TOOTH DISEASE, AXONAL, AUTOSOMAL DOMINANT, TYPE 2O; Charcot-Marie-Tooth Neuropathy Type 2O; Charcot-Marie-Tooth disease, axonal, type 20. Identifiers: Orphanet 284232, MedGen C3280220, MONDO:0013644, OMIM 614228.

Submission:

Labcorp Genetics (formerly Invitae), Labcorp
Classification: Uncertain significance for Charcot-Marie-Tooth disease axonal type 2O. Last evaluated: 2022-02-02. Review status: criteria provided, single submitter. Criteria: Invitae Variant Classification Sherloc (09022015). Collection method: clinical testing. Allele origin: germline.
Comment: This sequence change affects codon 1211 of the DYNC1H1 mRNA. It is a 'silent' change, meaning that it does not change the encoded amino acid sequence of the DYNC1H1 protein. This variant is not present in population databases (gnomAD no frequency). This variant has not been reported in the literature in individuals affected with DYNC1H1-related conditions. Algorithms developed to predict the effect of sequence changes on RNA splicing suggest that this variant may create or strengthen a splice site. In summary, the available evidence is currently insufficient to determine the role of this variant in disease. Therefore, it has been classified as a Variant of Uncertain Significance.